The following is an entry in ClinVar:

NM_152594.3(SPRED1):c.424G>T (p.Ala142Ser)

Gene: SPRED1 (sprouty related EVH1 domain containing 1; plus strand). Cytogenetic location: 15q14.
Variant type: single nucleotide variant.
Coding change: c.424G>T on transcript NM_152594.3 (MANE Select); coding-DNA position 424, G replaced by T.
Protein change: p.Ala142Ser; replaces alanine 142 with serine.
Molecular consequence: missense variant.
Genome position (GRCh38, 1-based): chr15:38,339,737, G>T. VCF-style: chr15-38339737-G-T. GRCh37 (hg19) VCF-style: chr15-38631938-G-T.
Other names: short protein forms A142S.
Identifiers: ClinVar variation 2444902 (VCV002444902.7), dbSNP rs763971890, ClinGen allele CA7470090.

ClinVar aggregate classification (germline): Uncertain significance. Review status: criteria provided, multiple submitters, no conflicts (2 of 4 stars). 4 submissions from 4 submitters: Uncertain significance (4). Last evaluated 2026-04-10.

Conditions:
Legius syndrome. Identifiers: Orphanet 137605, MedGen C1969623, MONDO:0012669, OMIM 611431. Disease mechanism: loss of function.

Allele frequency attached by ClinVar (database versions not stated): gnomAD exomes below 0.00001; TOPMed below 0.00001; ExAC 0.00001; gnomAD 0.00001.
gnomAD v4.1: 7 of 1,613,488 alleles (0.00043%); highest among the groups gnomAD compares: Non-Finnish European, 0.00051%; no homozygotes.

Submissions (5):

Women's Health and Genetics/Laboratory Corporation of America, LabCorp
Classification: Uncertain significance. Last evaluated: 2026-04-10. Review status: criteria provided, single submitter. Criteria: LabCorp Variant Classification Summary - May 2015. Collection method: clinical testing. Allele origin: germline.

Labcorp Genetics (formerly Invitae), Labcorp
Classification: Uncertain significance for Legius syndrome. Last evaluated: 2024-11-28. Review status: criteria provided, single submitter. Criteria: Invitae Variant Classification Sherloc (09022015). Collection method: clinical testing. Allele origin: germline.
Comment: This sequence change replaces alanine, which is neutral and non-polar, with serine, which is neutral and polar, at codon 142 of the SPRED1 protein (p.Ala142Ser). This variant is present in population databases (rs763971890, gnomAD 0.002%). This variant has not been reported in the literature in individuals affected with SPRED1-related conditions. ClinVar contains an entry for this variant (Variation ID: 2444902). An algorithm developed to predict the effect of missense changes on protein structure and function (PolyPhen-2) suggests that this variant is likely to be tolerated. In summary, the available evidence is currently insufficient to determine the role of this variant in disease. Therefore, it has been classified as a Variant of Uncertain Significance.

Clinical Genomics Laboratory, Washington University in St. Louis
Classification: Uncertain significance for Legius syndrome. Last evaluated: 2024-10-08. Review status: criteria provided, single submitter. Criteria: ACMG Guidelines, 2015. Collection method: clinical testing. Allele origin: germline.
Comment: A SPRED1 c.424G> T (p.Ala142Ser) variant was identified at a near heterozygous allelic fraction of 43.5%, a frequency which may be consistent with germline origin. This variant, to our knowledge, has not been reported in the medical literature and is only observed on 7/1,613,488 alleles in the general population (gnomAD v.4.1.0), indicating it is not a common variant. The SPRED1 c.424G> T (p.Ala142Ser) variant has been reported in the ClinVar database as a germline variant of uncertain significance by two submitters (ClinVar variation ID: 2444902). Computational predictors suggest that the variant does not impact SPRED1 function. Due to limited information, and based on ACMG/AMP guidelines for variant interpretation (Richards S et al., PMID: 25741868), the clinical significance of this variant is uncertain at this time.

St. Jude Molecular Pathology, St. Jude Children's Research Hospital
Classification: Uncertain significance for Legius syndrome. Last evaluated: 2022-11-29. Review status: criteria provided, single submitter. Criteria: St. Jude Assertion Criteria 2020. Collection method: clinical testing. Allele origin: germline.
Comment: The SPRED1 c.424G>T (p.Ala142Ser) missense change has a maximum subpopulation frequency of 0.0023% in gnomAD v2.1.1. The in silico tool REVEL predicts a benign effect on protein function, but to our knowledge this prediction has not been confirmed by functional studies. This variant is located adjacent to the acceptor splice site of intron 4, and algorithms that predict the impact of sequence changes on splicing indicate that this variant does not affect splicing. To our knowledge, this variant has not been reported in the literature in individuals with Legius syndrome. In summary, the evidence currently available is insufficient to determine the clinical significance of this variant. It has therefore been classified as of uncertain significance.

Dr. Peter K. Rogan Lab, Western University
No classification provided (evidence only). Condition: Melanoma. Review status: no classification provided. Collection method: in vitro. Allele origin: not applicable. Functional consequence: retained intron. Not counted in ClinVar's aggregate classification.